The following is an entry in ClinVar:

ClinVar aggregate classification (germline): Likely benign (1 of 4 stars; one submission).

Allele frequency attached by ClinVar (database versions not stated): ESP Exome Variant Server 0.00025; gnomAD 0.00035; 1000 Genomes Project 0.00040; 1000 Genomes Project 30x 0.00047.
gnomAD v4.1: 387 of 1,611,626 alleles (0.024%); highest among the groups gnomAD compares: Middle Eastern, 0.26%; 5 homozygotes.

Submission:

CeGaT Center for Human Genetics Tuebingen
Classification: Likely benign. Last evaluated: 2022-09-01. Review status: criteria provided, single submitter. Criteria: CeGaT Center For Human Genetics Tuebingen Variant Classification Criteria Version 2. Collection method: clinical testing. Allele origin: germline. Affected: yes. Observed: 1 variant allele.
Comment: AHNAK2: BP4, BP7

NM_138420.4(AHNAK2):c.8502C>G (p.Ala2834=)

Gene: AHNAK2 (AHNAK nucleoprotein 2; minus strand). Cytogenetic location: 14q32.33.
Variant type: single nucleotide variant.
Coding change: c.8502C>G on transcript NM_138420.4 (MANE Select); coding-DNA position 8502, C replaced by G.
Protein change: p.Ala2834=; no amino-acid change (alanine 2834 retained).
Molecular consequence: synonymous variant.
Genome position (GRCh38, 1-based): chr14:104,946,949, G>C on the plus strand (C>G on the coding strand, the complement: AHNAK2 is on the minus strand). VCF-style: chr14-104946949-G-C. GRCh37 (hg19) VCF-style: chr14-105413286-G-C.
Other names: c.8202C>G, p.Ala2734= (NM_001350929.2).
Identifiers: ClinVar variation 2644699 (VCV002644699.24), dbSNP rs376106281, ClinGen allele CA7380053.